The following is an entry in ClinVar:

NM_001382391.1(CSPP1):c.2657C>T (p.Ser886Phe)

Gene: CSPP1 (centrosome and spindle pole associated protein 1; plus strand). Cytogenetic location: 8q13.2.
Variant type: single nucleotide variant.
Coding change: c.2657C>T on transcript NM_001382391.1 (MANE Select); coding-DNA position 2657, C replaced by T.
Protein change: p.Ser886Phe; replaces serine 886 with phenylalanine.
Molecular consequence: missense variant.
Genome position (GRCh38, 1-based): chr8:67,163,745, C>T. VCF-style: chr8-67163745-C-T. GRCh37 (hg19) VCF-style: chr8-68075980-C-T.
Other names: c.1607C>T, p.Ser536Phe (NM_001291339.2); c.2576C>T, p.Ser859Phe (NM_001363131.2); c.2462C>T, p.Ser821Phe (NM_001363132.2); c.2381C>T, p.Ser794Phe (NM_001363133.2); c.2723C>T, p.Ser908Phe (NM_001364869.1); c.2543C>T, p.Ser848Phe (NM_001364870.1); c.2642C>T, p.Ser881Phe (NM_024790.7); short protein forms S881F, S908F, S794F, S886F, S821F, S848F, S536F, S859F.
Identifiers: ClinVar variation 1916737 (VCV001916737.4), dbSNP rs760713899, ClinGen allele CA4770897.

ClinVar aggregate classification (germline): Uncertain significance. Review status: criteria provided, multiple submitters, no conflicts (2 of 4 stars). 2 submissions from 2 submitters: Uncertain significance (2). Last evaluated 2022-10-13.

Conditions:
Inborn genetic diseases. Identifiers: MedGen C0950123, MeSH D030342.
Joubert syndrome 21 (JBTS21). Identifiers: MedGen C3810212, MONDO:0014288, OMIM 615636.

Allele frequency attached by ClinVar (database versions not stated): ExAC 0.00001; TOPMed 0.00001; gnomAD 0.00002; gnomAD exomes 0.00002.
gnomAD v4.1: 30 of 1,612,912 alleles (0.0019%); highest among the groups gnomAD compares: Non-Finnish European, 0.0025%; no homozygotes.

Submissions (2):

Labcorp Genetics (formerly Invitae), Labcorp
Classification: Uncertain significance for Joubert syndrome 21. Last evaluated: 2022-10-13. Review status: criteria provided, single submitter. Criteria: Invitae Variant Classification Sherloc (09022015). Collection method: clinical testing. Allele origin: germline.
Comment: In summary, the available evidence is currently insufficient to determine the role of this variant in disease. Therefore, it has been classified as a Variant of Uncertain Significance. Algorithms developed to predict the effect of missense changes on protein structure and function are either unavailable or do not agree on the potential impact of this missense change (SIFT: "Tolerated"; PolyPhen-2: "Possibly Damaging"; Align-GVGD: "Class C0"). This variant has not been reported in the literature in individuals affected with CSPP1-related conditions. This variant is present in population databases (rs760713899, gnomAD 0.002%). This sequence change replaces serine, which is neutral and polar, with phenylalanine, which is neutral and non-polar, at codon 881 of the CSPP1 protein (p.Ser881Phe).

Ambry Genetics
Classification: Uncertain significance for Inborn genetic diseases. Last evaluated: 2021-08-02. Review status: criteria provided, single submitter. Criteria: Ambry Variant Classification Scheme 2023. Collection method: clinical testing. Allele origin: germline.